The following is an entry in ClinVar:

NM_001009944.3(PKD1):c.402G>T (p.Ala134=)

Gene: PKD1 (polycystin 1, transient receptor potential channel interacting; minus strand). Cytogenetic location: 16p13.3.
Variant type: single nucleotide variant.
Coding change: c.402G>T on transcript NM_001009944.3 (MANE Select); coding-DNA position 402, G replaced by T.
Protein change: p.Ala134=; no amino-acid change (alanine 134 retained).
Molecular consequence: synonymous variant.
Genome position (GRCh38, 1-based): chr16:2,118,803, C>A on the plus strand (G>T on the coding strand, the complement: PKD1 is on the minus strand). VCF-style: chr16-2118803-C-A. GRCh37 (hg19) VCF-style: chr16-2168804-C-A.
Other names: c.402G>T, p.Ala134= (NM_000296.4).
Identifiers: ClinVar variation 2646034 (VCV002646034.24), dbSNP rs745498965, ClinGen allele CA7833713.

ClinVar aggregate classification (germline): Likely benign (1 of 4 stars; one submission).

gnomAD v4.1: 14 of 1,582,554 alleles (0.00088%); highest among the groups gnomAD compares: African/African-American, 0.013%; no homozygotes.

Submission:

CeGaT Center for Human Genetics Tuebingen
Classification: Likely benign. Last evaluated: 2022-09-01. Review status: criteria provided, single submitter. Criteria: CeGaT Center For Human Genetics Tuebingen Variant Classification Criteria Version 2. Collection method: clinical testing. Allele origin: germline. Affected: yes. Observed: 1 variant allele.
Comment: PKD1: BP4, BP7